The following is an entry in ClinVar:

ClinVar aggregate classification (germline): Pathogenic. Review status: criteria provided, multiple submitters, no conflicts (2 of 4 stars). 2 submissions from 2 submitters: Pathogenic (2). Last evaluated 2022-02-20.

Conditions:
Juvenile polyposis syndrome (JPS). Identifiers: Orphanet 2929, MedGen C0345893, MONDO:0017380, OMIM 174900.
Hereditary cancer-predisposing syndrome. Also called: Hereditary neoplastic syndrome; Tumor predisposition; Neoplastic Syndromes, Hereditary; Hereditary Cancer Syndrome. Identifiers: Orphanet 140162, MedGen C0027672, MeSH D009386, MONDO:0015356.

Submissions (2):

Labcorp Genetics (formerly Invitae), Labcorp
Classification: Pathogenic for Juvenile polyposis syndrome. Last evaluated: 2022-02-20. Review status: criteria provided, single submitter. Criteria: Invitae Variant Classification Sherloc (09022015). Collection method: clinical testing. Allele origin: germline.
Comment: ClinVar contains an entry for this variant (Variation ID: 429097). This sequence change creates a premature translational stop signal (p.Trp153*) in the BMPR1A gene. It is expected to result in an absent or disrupted protein product. Loss-of-function variants in BMPR1A are known to be pathogenic (PMID: 11536076, 12417513). This variant is not present in population databases (gnomAD no frequency). This variant has not been reported in the literature in individuals affected with BMPR1A-related conditions. For these reasons, this variant has been classified as Pathogenic.

Ambry Genetics
Classification: Pathogenic for Hereditary cancer-predisposing syndrome. Last evaluated: 2019-03-22. Review status: criteria provided, single submitter. Criteria: Ambry Variant Classification Scheme 2023. Collection method: clinical testing. Allele origin: germline.
Comment: The p.W153* pathogenic mutation (also known as c.458G>A), located in coding exon 5 of the BMPR1A gene, results from a G to A substitution at nucleotide position 458. This changes the amino acid from a tryptophan to a stop codon within coding exon 5. This alteration is expected to result in loss of function by premature protein truncation or nonsense-mediated mRNA decay. As such, this alteration is interpreted as a disease-causing mutation.

Literature cited by the submitters: PubMed 11536076 (cited by Labcorp Genetics (formerly Invitae), Labcorp); PubMed 12417513 (cited by Labcorp Genetics (formerly Invitae), Labcorp).

NM_004329.3(BMPR1A):c.458G>A (p.Trp153Ter)

Gene: BMPR1A (bone morphogenetic protein receptor type 1A; plus strand). Cytogenetic location: 10q23.2.
Variant type: single nucleotide variant.
Coding change: c.458G>A on transcript NM_004329.3 (MANE Select); coding-DNA position 458, G replaced by A.
Protein change: p.Trp153Ter; replaces tryptophan 153 with a stop codon.
Molecular consequence: nonsense.
Genome position (GRCh38, 1-based): chr10:86,900,054, G>A. VCF-style: chr10-86900054-G-A. GRCh37 (hg19) VCF-style: chr10-88659811-G-A.
Other names: short protein forms W153*.
Identifiers: ClinVar variation 429097 (VCV000429097.10), dbSNP rs1131691176, ClinGen allele CA377450259.
Genomic context (GRCh38, chr10:86,900,054, plus strand): 5'-TCAATTGTTTACATTGTTTACTTTTATTGTCAGGTCCGTTTTTTGATGGCAGCATTCGAT[G>A]GCTGGTTTTGCTCATTTCTATGGCTGTCTGCATAATTGCTATGATCATCTTCTCCAGCTG-3'